The following is an entry in ClinVar:

ClinVar aggregate classification (germline): Likely pathogenic (1 of 4 stars; one submission).

Conditions:
Intellectual developmental disorder, X-linked 19. Also called: Intellectual disability, X-linked 19. Identifiers: Orphanet 777, MedGen C0796225, MONDO:0010447, OMIM 300844.
Coffin-Lowry syndrome (CLS). Also called: COFFIN-LOWRY SYNDROME, MILD; Mental retardation with osteocartilaginous abnormalities. Identifiers: Orphanet 192, MedGen C0265252, MONDO:0010561, OMIM 303600.

Submission:

Labcorp Genetics (formerly Invitae), Labcorp
Classification: Likely pathogenic for Coffin-Lowry syndrome; Intellectual developmental disorder, X-linked 19. Last evaluated: 2020-11-17. Review status: criteria provided, single submitter. Criteria: Invitae Variant Classification Sherloc (09022015). Collection method: clinical testing. Allele origin: germline.
Comment: This sequence change affects a donor splice site in intron 17 of the RPS6KA3 gene. It is expected to disrupt RNA splicing. Variants that disrupt the donor or acceptor splice site typically lead to a loss of protein function (PMID: 16199547), and loss-of-function variants in RPS6KA3 are known to be pathogenic (PMID: 9837815, 19888300). In summary, the currently available evidence indicates that the variant is pathogenic, but additional data are needed to prove that conclusively. Therefore, this variant has been classified as Likely Pathogenic. Algorithms developed to predict the effect of sequence changes on RNA splicing suggest that this variant may disrupt the consensus splice site, but this prediction has not been confirmed by published transcriptional studies. This variant has not been reported in the literature in individuals with RPS6KA3-related conditions. This variant is not present in population databases (ExAC no frequency).

Literature cited by the submitters: PubMed 16199547; PubMed 9837815; PubMed 19888300.

NM_004586.3(RPS6KA3):c.1602+2del

Gene: RPS6KA3 (ribosomal protein S6 kinase A3; minus strand). Cytogenetic location: Xp22.12.
Variant type: Deletion.
Coding change: c.1602+2del on transcript NM_004586.3 (MANE Select); the canonical splice donor site of the intron after coding-DNA position 1602, one base deleted (T; older notation c.1602+2delT).
Molecular consequence: splice donor variant.
Genome position (GRCh38, 1-based): chrX:20,167,587, A deleted on the plus strand (T on the coding strand, the reverse complement: RPS6KA3 is on the minus strand). VCF-style (leftmost placement, unchanged base first): chrX-20167586-TA-T. GRCh37 (hg19) VCF-style: chrX-20185704-TA-T.
Identifiers: ClinVar variation 1475573 (VCV001475573.8), dbSNP rs2148649846, ClinGen allele CA2573158506.
Genomic context (GRCh38, chrX:20,167,586, plus strand): 5'-TCTAGCTCAAACATAAAGGAAAAAAGTGTGTGTATGTACATATAGAGTGGTAAAAAGACT[TA>T]CCCCTTGTGCGTGAAGATATTCAACGGTTTTAGTTATAGTGAACAGGACAGCACTGGCCT-3'